The following is an entry in ClinVar:

ClinVar aggregate classification (germline): Conflicting classifications of pathogenicity. Review status: criteria provided, conflicting classifications (1 of 4 stars). 15 submissions from 15 submitters: Uncertain significance (11); Likely benign (3). 1 of the submissions does not count toward it. Last evaluated 2026-09-04.

Conditions:
Familial ovarian cancer. Identifiers: MedGen C5679802, MONDO:0016248.
RAD51D-related disorder. Also called: RAD51D-related condition.
Breast and/or ovarian cancer. Identifiers: MedGen CN221562.
Hereditary cancer-predisposing syndrome. Also called: Neoplastic Syndromes, Hereditary; Tumor predisposition; Hereditary neoplastic syndrome; Hereditary Cancer Syndrome. Identifiers: Orphanet 140162, MedGen C0027672, MeSH D009386, MONDO:0015356.
Hereditary breast ovarian cancer syndrome. Also called: Hereditary breast and/or ovarian cancer syndrome; Hereditary breast and ovarian cancer syndrome; Hereditary breast and ovarian cancer; Hereditary breast and ovarian cancer syndrome (HBOC); Breast and ovarian cancer; BRCA1- and BRCA2-Associated Hereditary Breast and Ovarian Cancer. Identifiers: Orphanet 145, MedGen C0677776, MeSH D061325, MONDO:0003582. Disease mechanism: loss of function.
Breast-ovarian cancer, familial, susceptibility to, 4. Identifiers: Orphanet 145, MedGen C3280345, MONDO:0013669, OMIM 614291.
Malignant tumor of breast. Also called: Malignant breast neoplasm; Cancer breast. Identifiers: MedGen C0006142, MONDO:0007254. Disease mechanism: loss of function.

Allele frequency attached by ClinVar (database versions not stated): ExAC 0.00003; gnomAD exomes 0.00005 and 0.00015; gnomAD 0.00007 and 0.00008; ESP Exome Variant Server 0.00008; TOPMed 0.00008.
gnomAD v4.1: 219 of 1,613,972 alleles (0.014%); highest among the groups gnomAD compares: Non-Finnish European, 0.018%; 1 homozygote.

Submissions 1 to 12 of 15:

PreventionGenetics, part of Exact Sciences
Classification: Uncertain significance for RAD51D-related condition. Last evaluated: 2026-09-04. Review status: criteria provided, single submitter. Criteria: ACMG Guidelines, 2015. Collection method: clinical testing. Allele origin: germline.
Comment: The RAD51D c.355T>C variant is predicted to result in the amino acid substitution p.Cys119Arg. This variant, also known as c.415A>G (p.C139R) in the literature, has been reported in studies of patients with pancreatic, breast and/or ovarian cancer (see, for example, Shindo et al. 2017. PubMed ID; 28767289, described as p.C139R; Gutiérrez-Enríquez et al. 2014. PubMed ID 24130102; Osher et al. 2012. PubMed ID 22415235), but has also been reported in both cases and controls in a study of patients with epithelial ovarian cancer (Song et al. 2015. PubMed ID 26261251). This variant is reported in 0.0085% of alleles in individuals of European (Non-Finnish) descent in gnomAD and has conflicting interpretations regarding its pathogenicity in ClinVar, ranging from likely benign to uncertain (Variation ID: 182856). At this time, the clinical significance of this variant is uncertain due to the absence of conclusive functional and genetic evidence.

Labcorp Genetics (formerly Invitae), Labcorp
Classification: Uncertain significance for Breast-ovarian cancer, familial, susceptibility to, 4. Last evaluated: 2026-02-03. Review status: criteria provided, single submitter. Criteria: Invitae Variant Classification Sherloc (09022015). Collection method: clinical testing. Allele origin: germline.
Comment: This sequence change replaces cysteine, which is neutral and slightly polar, with arginine, which is basic and polar, at codon 119 of the RAD51D protein (p.Cys119Arg). This variant is present in population databases (rs201313861, gnomAD 0.009%). This missense change has been observed in individual(s) with breast cancer, ovarian cancer, and/or pancreatic ductal adenocarcinoma (PMID: 22415235, 24130102, 25186627, 26261251, 28767289, 30086788). This variant is also known as c.415A>G (p.C139R). ClinVar contains an entry for this variant (Variation ID: 182856). Invitae Evidence Modeling of protein sequence and biophysical properties (such as structural, functional, and spatial information, amino acid conservation, physicochemical variation, residue mobility, and thermodynamic stability) indicates that this missense variant is not expected to disrupt RAD51D protein function with a negative predictive value of 80%. In summary, the available evidence is currently insufficient to determine the role of this variant in disease. Therefore, it has been classified as a Variant of Uncertain Significance.

GeneDx
Classification: Uncertain significance. Last evaluated: 2025-09-10. Review status: criteria provided, single submitter. Criteria: GeneDx Variant Classification Process June 2021. Collection method: clinical testing. Allele origin: germline. Affected: yes.
Comment: In silico analysis suggests that this missense variant does not alter protein structure/function; Observed in individuals with a personal or family history of breast, ovarian, pancreatic, or other cancers (PMID: 22415235, 26261251, 28767289, 30086788, 33471991); This variant is associated with the following publications: (PMID: 28767289, 22415235, 24130102, 26261251, 28492532, 30086788, 34923718, 27535533, 33471991, 21111057, 14704354, 19327148)

Molecular Pathology, Peter Maccallum Cancer Centre
Classification: Uncertain significance for Familial ovarian cancer. Last evaluated: 2025-04-02. Review status: criteria provided, single submitter. Criteria: ACMG Guidelines, 2015. Collection method: clinical testing. Allele origin: germline. Inheritance: Autosomal dominant inheritance.

Ambry Genetics
Classification: Uncertain significance for Hereditary cancer-predisposing syndrome. Last evaluated: 2025-03-18. Review status: criteria provided, single submitter. Criteria: Ambry Variant Classification Scheme 2023. Collection method: clinical testing. Allele origin: germline.
Comment: The p.C119R variant (also known as c.355T>C), located in coding exon 5 of the RAD51D gene, results from a T to C substitution at nucleotide position 355. The cysteine at codon 119 is replaced by arginine, an amino acid with highly dissimilar properties. This alteration has been reported in multiple breast and/or ovarian cancer cohorts (Osher DJ et al. Br. J. Cancer, 2012 Apr;106:1460-3; Guti&eacute;rrez-Enr&iacute;quez S et al. Int J Cancer, 2014 May;134:2088-97; Tung N et al. Cancer, 2015 Jan;121:25-33; Song H et al. J Clin Oncol, 2015 Sep;33:2901-7; Penkert J et al. Breast Cancer Res, 2018 08;20:87). This amino acid position is well conserved in available vertebrate species. In addition, the in silico prediction for this alteration is inconclusive. Based on the available evidence, the clinical significance of this variant remains unclear.

Center for Genomic Medicine, Rigshospitalet, Copenhagen University Hospital
Classification: Uncertain significance. Last evaluated: 2025-03-04. Review status: criteria provided, single submitter. Criteria: ACMG Guidelines, 2015. Collection method: clinical testing. Allele origin: germline.

Myriad Genetics, Inc.
Classification: Likely benign for Breast-ovarian cancer, familial, susceptibility to, 4. Last evaluated: 2024-12-13. Review status: criteria provided, single submitter. Criteria: Myriad Autosomal Dominant, Autosomal Recessive and X-Linked Classification Criteria (2023). Collection method: clinical testing. Allele origin: unknown.
Comment: This variant is considered likely benign. This variant is strongly associated with less severe personal and family histories of cancer, typical for individuals without pathogenic variants in this gene [PMID: 25085752].

Color Diagnostics, LLC DBA Color Health
Classification: Likely benign for Hereditary cancer-predisposing syndrome. Last evaluated: 2024-09-19. Review status: criteria provided, single submitter. Criteria: ACMG Guidelines, 2015. Collection method: clinical testing. Allele origin: germline.

Mendelics
Classification: Likely benign for Hereditary breast ovarian cancer syndrome. Last evaluated: 2024-04-09. Review status: criteria provided, single submitter. Criteria: ACMG Guidelines, 2015. Collection method: clinical testing. Allele origin: unknown.

Quest Diagnostics Nichols Institute San Juan Capistrano
Classification: Uncertain significance. Last evaluated: 2024-03-27. Review status: criteria provided, single submitter. Criteria: Quest Diagnostics criteria. Collection method: clinical testing. Allele origin: unknown.
Comment: The RAD51D c.355T>C (p.Cys119Arg) variant has been reported in the published literature in individuals affected with prostate cancer (PMID: 26689913 (2015)), breast and/or ovarian cancer as well as in reportedly healthy individuals (PMIDs: 33471991 (2021), 30086788 (2018), 26261251 (2015), 25186627 (2015), 24130102 (2014), 22415235 (2012), see also LOVD). The frequency of this variant in the general population, 0.000085 (11/129168 chromosomes (Genome Aggregation Database)), is uninformative in the assessment of its pathogenicity. Analysis of this variant using bioinformatics tools for the prediction of the effect of amino acid changes on protein structure and function yielded predictions that this variant is benign. Based on the available information, we are unable to determine the clinical significance of this variant.

Baylor Genetics
Classification: Uncertain significance for Breast-ovarian cancer, familial, susceptibility to, 4. Last evaluated: 2024-03-12. Review status: criteria provided, single submitter. Criteria: ACMG Guidelines, 2015. Collection method: clinical testing. Allele origin: unknown.

Sema4
Classification: Uncertain significance for Hereditary cancer-predisposing syndrome. Last evaluated: 2021-05-03. Review status: criteria provided, single submitter. Criteria: Sema4 Curation Guidelines. Collection method: curation. Allele origin: germline.
Comment: The RAD51D c.355T>C (p.C119R) variant has been reported in heterozygosity in at least five individuals with breast and/or ovarian cancer or pancreatic cancer (PMID: 28767289, 22415235, 24130102, 30086788). It has also been reported in affected individuals and controls in multiple case-control studies with no significant enrichment in controls (PMID: 33471991, 26261251). It is also known as c.415A>G (p.C139R) in the literature. This variant was observed in 11/129168 chromosomes in the European (non-Finnish) population, with no homozygotes, according to the Genome Aggregation Database (PMID: 32461654) and has been reported in ClinVar (Variation ID: 182856). In silico tools suggest the impact of the variant on protein function is inconclusive, though these predictions have not been confirmed by functional studies. Based on the current evidence available, this variant is interpreted as a variant of uncertain significance.

NM_002878.4(RAD51D):c.355T>C (p.Cys119Arg)

Genes: RAD51D (RAD51 paralog D; minus strand), RAD51L3-RFFL (RAD51L3-RFFL readthrough; minus strand). Cytogenetic location: 17q12.
Variant type: single nucleotide variant.
Coding change: c.355T>C on transcript NM_002878.4 (MANE Select); coding-DNA position 355, T replaced by C.
Protein change: p.Cys119Arg; replaces cysteine 119 with arginine.
Molecular consequence: missense variant. On other transcripts: non-coding transcript variant (1), intron variant (1).
Genome position (GRCh38, 1-based): chr17:35,107,113, A>G on the plus strand (T>C on the coding strand, the complement: RAD51D is on the minus strand). VCF-style: chr17-35107113-A-G. GRCh37 (hg19) VCF-style: chr17-33434132-A-G.
Other names: p.C119R:TGT>CGT; c.415T>C, p.Cys139Arg (NM_001142571.2); c.145-632T>C (NM_133629.3); short protein forms C119R, C139R.
Identifiers: ClinVar variation 182856 (VCV000182856.48), dbSNP rs201313861, ClinGen allele CA299926.